The following is an entry in ClinVar:

ClinVar aggregate classification (germline): Pathogenic/Likely pathogenic. Review status: criteria provided, multiple submitters, no conflicts (2 of 4 stars). 2 submissions from 2 submitters: Pathogenic (1); Likely pathogenic (1). Last evaluated 2022-02-19.

Conditions:
DYRK1A-related intellectual disability syndrome (MRD7). Also called: DYRK1A Syndrome; Intellectual developmental disorder, autosomal dominant 7. Identifiers: Orphanet 464306, MedGen C5568143, MONDO:0013578, OMIM 614104.

Submissions (2):

Labcorp Genetics (formerly Invitae), Labcorp
Classification: Pathogenic for DYRK1A-related intellectual disability syndrome. Last evaluated: 2022-02-19. Review status: criteria provided, single submitter. Criteria: Invitae Variant Classification Sherloc (09022015). Collection method: clinical testing. Allele origin: germline.
Comment: This variant is not present in population databases (gnomAD no frequency). This sequence change creates a premature translational stop signal (p.Leu351Trpfs*17) in the DYRK1A gene. It is expected to result in an absent or disrupted protein product. Loss-of-function variants in DYRK1A are known to be pathogenic (PMID: 25944381). This variant has not been reported in the literature in individuals affected with DYRK1A-related conditions. For these reasons, this variant has been classified as Pathogenic. ClinVar contains an entry for this variant (Variation ID: 421078).

GeneDx
Classification: Likely pathogenic. Last evaluated: 2016-05-10. Review status: criteria provided, single submitter. Criteria: GeneDx Variant Classification (06012015). Collection method: clinical testing. Allele origin: germline. Affected: yes.
Comment: The c.1052delT variant causes a frameshift starting with codon Leucine 351, changes this amino acid to a Tryptophan residue and creates a premature Stop codon at position 17 of the new reading frame, denoted p.Leu351TrpfsX17. This variant is predicted to cause loss of normal protein function either through protein truncation or nonsense-mediated mRNA decay. It was not observed in approximately 6,500 individuals of European and African American ancestry in the NHLBI Exome Sequencing Project, indicating it is not a common benign variant in these populations. Although this variant has not been previously reported to our knowledge, other frameshift variants have been reported in the Human Gene Mutation Database in association with DYRK1A-related disorders (Stenson et al., 2014). Therefore, this variant is likely pathogenic; however, the possibility that it is benign cannot be excluded.

Literature cited by the submitters: PubMed 25944381 (cited by Labcorp Genetics (formerly Invitae), Labcorp).

NM_001347721.2(DYRK1A):c.1025del (p.Leu342fs)

Gene: DYRK1A (dual specificity tyrosine phosphorylation regulated kinase 1A; plus strand). Cytogenetic location: 21q22.13.
Variant type: Deletion.
Coding change: c.1025del on transcript NM_001347721.2 (MANE Select); coding-DNA position 1025, one base deleted (T; older notation c.1025delT).
Protein change: p.Leu342fs; shifts the reading frame from leucine 342.
Molecular consequence: frameshift variant.
Genome position (GRCh38, 1-based): chr21:37,493,117, T deleted; the last of 4 consecutive T bases (chr21:37,493,114-37,493,117); deleting any one gives the same sequence. VCF-style (leftmost placement, unchanged base first): chr21-37493113-AT-A. GRCh37 (hg19) VCF-style: chr21-38865415-AT-A.
Other names: c.1025del, p.Leu342fs (NM_130436.2, NM_001347722.2); c.1052del, p.Leu351fs (NM_130438.2, NM_001396.5, NM_101395.2); c.938del, p.Leu313fs (NM_001347723.2); short protein forms L313fs, L351fs, L342fs.
Identifiers: ClinVar variation 421078 (VCV000421078.7), dbSNP rs1064794894, ClinGen allele CA16621002.